The following is an entry in ClinVar:

NM_015221.4(DNMBP):c.4448A>G (p.Asn1483Ser)

Gene: DNMBP (dynamin binding protein; minus strand). Cytogenetic location: 10q24.2.
Variant type: single nucleotide variant.
Coding change: c.4448A>G on transcript NM_015221.4 (MANE Select); coding-DNA position 4448, A replaced by G.
Protein change: p.Asn1483Ser; replaces asparagine 1483 with serine.
Molecular consequence: missense variant.
Genome position (GRCh38, 1-based): chr10:99,879,911, T>C on the plus strand (A>G on the coding strand, the complement: DNMBP is on the minus strand). VCF-style: chr10-99879911-T-C. GRCh37 (hg19) VCF-style: chr10-101639668-T-C.
Other names: c.3344A>G, p.Asn1115Ser (NM_001318326.2); c.2186A>G, p.Asn729Ser (NM_001318327.2); short protein forms N1115S, N1483S, N771S, N729S.
Identifiers: ClinVar variation 3043207 (VCV003043207.2), dbSNP rs200530625, ClinGen allele CA5644292.

ClinVar aggregate classification (germline): Likely benign (0 of 4 stars; one submission).

Conditions:
DNMBP-related disorder. Also called: DNMBP-related condition.

Allele frequency attached by ClinVar (database versions not stated): TOPMed 0.00004; gnomAD 0.00019; gnomAD exomes 0.00033; ExAC 0.00070; 1000 Genomes Project 30x 0.00078; 1000 Genomes Project 0.00080.
gnomAD v4.1: 512 of 1,614,230 alleles (0.032%); highest among the groups gnomAD compares: South Asian, 0.52%; 3 homozygotes.

Submission:

PreventionGenetics, part of Exact Sciences
Classification: Likely benign for DNMBP-related condition. Last evaluated: 2019-06-25. Review status: no assertion criteria provided. Collection method: clinical testing. Allele origin: germline.
Comment: This variant is classified as likely benign based on ACMG/AMP sequence variant interpretation guidelines (Richards et al. 2015 PMID: 25741868, with internal and published modifications).